The following is an entry in ClinVar:

NM_000098.3(CPT2):c.1602G>C (p.Glu534Asp)

Gene: CPT2 (carnitine palmitoyltransferase 2; plus strand). Cytogenetic location: 1p32.3.
Variant type: single nucleotide variant.
Coding change: c.1602G>C on transcript NM_000098.3 (MANE Select); coding-DNA position 1602, G replaced by C.
Protein change: p.Glu534Asp; replaces glutamic acid 534 with aspartic acid.
Molecular consequence: missense variant. On other transcripts: intron variant (1).
Genome position (GRCh38, 1-based): chr1:53,211,276, G>C. VCF-style: chr1-53211276-G-C. GRCh37 (hg19) VCF-style: chr1-53676948-G-C.
Other names: c.1576+26G>C (NM_001330589.2); short protein forms E534D.
Identifiers: ClinVar variation 2015334 (VCV002015334.4), dbSNP rs148110518, ClinGen allele CA340396920.

ClinVar aggregate classification (germline): Uncertain significance (1 of 4 stars; one submission).

Conditions:
Carnitine palmitoyltransferase II deficiency. Also called: Carnitine Palmitoyltransferase 2 Deficiency. Identifiers: Orphanet 157, MedGen C0342790, MONDO:0015515.

Submission:

Labcorp Genetics (formerly Invitae), Labcorp
Classification: Uncertain significance for Carnitine palmitoyltransferase II deficiency. Last evaluated: 2022-07-09. Review status: criteria provided, single submitter. Criteria: Invitae Variant Classification Sherloc (09022015). Collection method: clinical testing. Allele origin: germline.
Comment: This sequence change replaces glutamic acid, which is acidic and polar, with aspartic acid, which is acidic and polar, at codon 534 of the CPT2 protein (p.Glu534Asp). This variant is not present in population databases (gnomAD no frequency). This variant has not been reported in the literature in individuals affected with CPT2-related conditions. Advanced modeling of protein sequence and biophysical properties (such as structural, functional, and spatial information, amino acid conservation, physicochemical variation, residue mobility, and thermodynamic stability) performed at Invitae indicates that this missense variant is not expected to disrupt CPT2 protein function. In summary, the available evidence is currently insufficient to determine the role of this variant in disease. Therefore, it has been classified as a Variant of Uncertain Significance.